The following is an entry in ClinVar:

NM_006231.4(POLE):c.875A>G (p.Gln292Arg)

Gene: POLE (DNA polymerase epsilon, catalytic subunit; minus strand). Cytogenetic location: 12q24.33.
Variant type: single nucleotide variant.
Coding change: c.875A>G on transcript NM_006231.4 (MANE Select); coding-DNA position 875, A replaced by G.
Protein change: p.Gln292Arg; replaces glutamine 292 with arginine.
Molecular consequence: missense variant.
Genome position (GRCh38, 1-based): chr12:132,676,580, T>C on the plus strand (A>G on the coding strand, the complement: POLE is on the minus strand). VCF-style: chr12-132676580-T-C. GRCh37 (hg19) VCF-style: chr12-133253166-T-C.
Other names: short protein forms Q292R.
Identifiers: ClinVar variation 4825817 (VCV004825817.1).
Genomic context (GRCh38, chr12:132,676,580, plus strand): 5'-TTACTTCCCAGAAGCCACCTGCTCACCTGGCCATCGATCATGTAGGAAATCATCATAATC[T>C]GGTCTGTCTCAGCATCAGGAAACTTGAGGGGCAGTTTGGTCGTCTCAATGTCAAATGCCA-3'
Protein context (NP_006222.2, residues 282-302): PLKFPDAETD[Gln292Arg]IMMISYMIDG

ClinVar aggregate classification (germline): Uncertain significance (1 of 4 stars; one submission).

Conditions:
Hereditary cancer-predisposing syndrome. Also called: Neoplastic Syndromes, Hereditary; Tumor predisposition; Hereditary Cancer Syndrome; Hereditary neoplastic syndrome. Identifiers: Orphanet 140162, MedGen C0027672, MeSH D009386, MONDO:0015356.

Submission:

Ambry Genetics
Classification: Uncertain significance for Hereditary cancer-predisposing syndrome. Last evaluated: 2026-02-24. Review status: criteria provided, single submitter. Criteria: Ambry Variant Classification Scheme 2023. Collection method: clinical testing. Allele origin: germline.
Comment: The p.Q292R variant (also known as c.875A>G), located in coding exon 9 of the POLE gene, results from an A to G substitution at nucleotide position 875. The glutamine at codon 292 is replaced by arginine, an amino acid with highly similar properties. This amino acid position is conserved. In addition, the in silico prediction for this alteration is inconclusive. Based on the available evidence, the clinical significance of this variant remains unclear.